The following is an entry in ClinVar:

ClinVar aggregate classification (germline): Uncertain significance (1 of 4 stars; one submission).

Conditions:
X-linked Alport syndrome (ATS1). Also called: NEPHROPATHY AND DEAFNESS, X-LINKED; COL4A5-Related Nephropathy. Identifiers: Orphanet 63, Orphanet 88917, MedGen C4746986, MONDO:0010520, OMIM 301050.

Submission:

3billion
Classification: Uncertain significance for X-linked Alport syndrome. Last evaluated: 2022-05-22. Review status: criteria provided, single submitter. Criteria: ACMG Guidelines, 2015. Collection method: clinical testing. Allele origin: germline. Affected: yes. Observed: 1 heterozygote.
Comment: The variant is not observed in the gnomAD v2.1.1 dataset. Missense changes are a common disease-causing mechanism. In silico tool predictions suggest damaging effect of the variant on gene or gene product (REVEL: 0.99; 3Cnet: 0.93). A different missense change at the same codon (p.Gly696Asp) has been reported to be associated with COL4A5 related disorder (PMID: 29270492), but the evidence of pathogenicity is insufficient at this time. Therefore, this variant is classified as uncertain significanceaccording to the recommendation of ACMG/AMP guideline.

Literature cited by the submitters: PubMed 29270492.

NM_033380.3(COL4A5):c.2086G>C (p.Gly696Arg)

Gene: COL4A5 (collagen type IV alpha 5 chain; plus strand). Cytogenetic location: Xq22.3.
Variant type: single nucleotide variant.
Coding change: c.2086G>C on transcript NM_033380.3 (MANE Select); coding-DNA position 2086, G replaced by C.
Protein change: p.Gly696Arg; replaces glycine 696 with arginine.
Molecular consequence: missense variant.
Genome position (GRCh38, 1-based): chrX:108,601,929, G>C. VCF-style: chrX-108601929-G-C. GRCh37 (hg19) VCF-style: chrX-107845159-G-C.
Other names: c.2086G>C, p.Gly696Arg (NM_000495.5); short protein forms G696R.
Identifiers: ClinVar variation 1687202 (VCV001687202.1), dbSNP rs2147820987, ClinGen allele CA413846982.
Genomic context (GRCh38, chrX:108,601,929, plus strand): 5'-TGCTGTTTCTCCATAGGTGACCCTGGACTTCCAGGGCAACCAGGCTTGCCAGGGATACCT[G>C]GTAGCAAAGGAGAACCAGGTATCCCTGGAATTGGGCTTCCTGGACCACCTGGTCCCAAAG-3'
Protein context (NP_203699.1, residues 686-706): PGQPGLPGIP[Gly696Arg]SKGEPGIPGI